The following is an entry in ClinVar:

NM_024675.4(PALB2):c.2340C>T (p.Gly780=)

Gene: PALB2 (partner and localizer of BRCA2; minus strand). Cytogenetic location: 16p12.2.
Variant type: single nucleotide variant.
Coding change: c.2340C>T on transcript NM_024675.4 (MANE Select); coding-DNA position 2340, C replaced by T.
Protein change: p.Gly780=; no amino-acid change (glycine 780 retained).
Molecular consequence: synonymous variant.
Genome position (GRCh38, 1-based): chr16:23,629,814, G>A on the plus strand (C>T on the coding strand, the complement: PALB2 is on the minus strand). VCF-style: chr16-23629814-G-A. GRCh37 (hg19) VCF-style: chr16-23641135-G-A.
Identifiers: ClinVar variation 421016 (VCV000421016.12), dbSNP rs1064794853, ClinGen allele CA16620134.

ClinVar aggregate classification (germline): Conflicting classifications of pathogenicity. Review status: criteria provided, conflicting classifications (1 of 4 stars). 4 submissions from 4 submitters: Uncertain significance (2); Likely benign (2). Last evaluated 2025-04-16.

Conditions:
Familial cancer of breast. Also called: Hereditary breast cancer; BREAST CANCER, FAMILIAL; hereditary breast carcinoma. Identifiers: Orphanet 227535, MedGen C0346153, MONDO:0016419, OMIM 114480. Disease mechanism: loss of function.
Hereditary cancer-predisposing syndrome. Also called: Hereditary neoplastic syndrome; Tumor predisposition; Neoplastic Syndromes, Hereditary; Hereditary Cancer Syndrome. Identifiers: Orphanet 140162, MedGen C0027672, MeSH D009386, MONDO:0015356.

Submissions (4):

Ambry Genetics
Classification: Likely benign for Hereditary cancer-predisposing syndrome. Last evaluated: 2025-04-16. Review status: criteria provided, single submitter. Criteria: Ambry Variant Classification Scheme 2023. Collection method: clinical testing. Allele origin: germline.

Quest Diagnostics Nichols Institute San Juan Capistrano
Classification: Uncertain significance. Last evaluated: 2023-03-20. Review status: criteria provided, single submitter. Criteria: Quest Diagnostics criteria. Collection method: clinical testing. Allele origin: unknown.
Comment: To the best of our knowledge, the variant has not been reported in the published literature. It also has not been reported in large, multi-ethnic general populations. Analysis of this variant using software algorithms for the prediction of the effect of nucleotide changes on PALB2 mRNA splicing yielded predictions that this variant may result in the gain of a cryptic splice site without affecting the natural splice sites . Based on the available information, we are unable to determine the clinical significance of this variant.

Labcorp Genetics (formerly Invitae), Labcorp
Classification: Likely benign for Familial cancer of breast. Last evaluated: 2022-07-12. Review status: criteria provided, single submitter. Criteria: Invitae Variant Classification Sherloc (09022015). Collection method: clinical testing. Allele origin: germline.

GeneDx
Classification: Uncertain significance. Last evaluated: 2016-04-25. Review status: criteria provided, single submitter. Criteria: GeneDx Variant Classification (06012015). Collection method: clinical testing. Allele origin: germline. Affected: yes.
Comment: This variant is denoted PALB2 c.2340C>T at the DNA level. Although this variant is silent at the coding level, preserving a Glycine at codon 780, it is predicted to cause the creation of a cryptic donor site for exon 5. However, in the absence of RNA or functional studies, the actual effect of this variant is unknown. This variant has not, to our knowledge, been published in the literature as pathogenic or benign. PALB2 c.2340C>T was not observed in approximately 6,500 individuals of European and African American ancestry in the NHLBI Exome Sequencing Project, suggesting it is not a common benign variant in these populations. The nucleotide which is altered, a cytosine (C) at base 2340, is conserved across species. Based on currently available evidence, it is unclear whether PALB2 c.2340C>T is a pathogenic or benign variant. We consider it to be a variant of uncertain significance.